The following is an entry in ClinVar:

ClinVar aggregate classification (germline): Uncertain significance. Review status: criteria provided, multiple submitters, no conflicts (2 of 4 stars). 3 submissions from 3 submitters: Uncertain significance (3). Last evaluated 2026-03-31.

Conditions:
Inborn genetic diseases. Identifiers: MedGen C0950123, MeSH D030342.

Submissions (3):

GeneDx
Classification: Uncertain significance. Last evaluated: 2026-03-31. Review status: criteria provided, single submitter. Criteria: GeneDx Variant Classification Process June 2021. Collection method: clinical testing. Allele origin: germline.
Comment: Not observed at significant frequency in large population cohorts (gnomAD); In silico analysis suggests that this missense variant does not alter protein structure/function; Has not been previously published as pathogenic or benign to our knowledge

Ambry Genetics
Classification: Uncertain significance for Inborn genetic diseases. Last evaluated: 2025-02-05. Review status: criteria provided, single submitter. Criteria: Ambry Variant Classification Scheme 2023. Collection method: clinical testing. Allele origin: germline.

Blueprint Genetics
Classification: Uncertain significance. Last evaluated: 2024-07-23. Review status: criteria provided, single submitter. Criteria: ACMG Guidelines, 2015. Collection method: clinical testing. Allele origin: germline.

NM_000487.6(ARSA):c.20G>T (p.Arg7Leu)

Gene: ARSA (arylsulfatase A; minus strand). Cytogenetic location: 22q13.33.
Variant type: single nucleotide variant.
Coding change: c.20G>T on transcript NM_000487.6 (MANE Select); coding-DNA position 20, G replaced by T.
Protein change: p.Arg7Leu; replaces arginine 7 with leucine.
Molecular consequence: missense variant. On other transcripts: intron variant (2).
Genome position (GRCh38, 1-based): chr22:50,627,760, C>A on the plus strand (G>T on the coding strand, the complement: ARSA is on the minus strand). VCF-style: chr22-50627760-C-A. GRCh37 (hg19) VCF-style: chr22-51066188-C-A.
Other names: c.20G>T, p.Arg7Leu (NM_001085425.3, NM_001085426.3, NM_001085427.3); c.-35+231G>T (NM_001362782.2); c.-35+186G>T (NM_001085428.3); short protein forms R7L.
Identifiers: ClinVar variation 3787344 (VCV003787344.3).